The following is an entry in ClinVar:

ClinVar aggregate classification (germline): Uncertain significance (1 of 4 stars; one submission).

Submission:

Laboratory for Molecular Medicine, Mass General Brigham Personalized Medicine
Classification: Uncertain significance. Last evaluated: 2019-05-22. Review status: criteria provided, single submitter. Criteria: LMM Criteria. Collection method: clinical testing. Allele origin: germline. Observed: 1 variant allele.
Comment: The p.Glu648Asp variant in USH1C has not been previously reported in individuals with hearing loss or Usher syndrome and was absent from large population studies. Computational prediction tools and conservation analysis suggest that this variant may not impact the protein, though this information is not predictive enough to rule out pathogenicity. In summary, the clinical significance of this variant is uncertain. ACMG/AMP Criteria applied: PM2, BP4

NM_153676.4(USH1C):c.1944G>T (p.Glu648Asp)

Gene: USH1C (USH1 protein network component harmonin; minus strand). Cytogenetic location: 11p15.1.
Variant type: single nucleotide variant.
Coding change: c.1944G>T on transcript NM_153676.4 (MANE Select); coding-DNA position 1944, G replaced by T.
Protein change: p.Glu648Asp; replaces glutamic acid 648 with aspartic acid.
Molecular consequence: missense variant. On other transcripts: intron variant (2).
Genome position (GRCh38, 1-based): chr11:17,509,425, C>A on the plus strand (G>T on the coding strand, the complement: USH1C is on the minus strand). VCF-style: chr11-17509425-C-A. GRCh37 (hg19) VCF-style: chr11-17530972-C-A.
Other names: c.1228-7445G>T (NM_001297764.2); c.1285-7445G>T (NM_005709.4); short protein forms E648D.
Identifiers: ClinVar variation 929924 (VCV000929924.4), dbSNP rs1213612823, ClinGen allele CA379772934.